The following is an entry in ClinVar:

NM_001080517.3(SETD5):c.213G>A (p.Pro71=)

Gene: SETD5 (SET domain containing 5; plus strand). Cytogenetic location: 3p25.3.
Variant type: single nucleotide variant.
Coding change: c.213G>A on transcript NM_001080517.3 (MANE Select); coding-DNA position 213, G replaced by A.
Protein change: p.Pro71=; no amino-acid change (proline 71 retained).
Molecular consequence: synonymous variant. On other transcripts: 5 prime UTR variant (2).
Genome position (GRCh38, 1-based): chr3:9,434,369, G>A. VCF-style: chr3-9434369-G-A. GRCh37 (hg19) VCF-style: chr3-9476053-G-A.
Other names: c.213G>A (NM_001080517.2); c.-121G>A (NM_001292043.2); c.-162G>A (NM_001349451.2).
Identifiers: ClinVar variation 1548816 (VCV001548816.32), dbSNP rs371515878, ClinGen allele CA2238887.
Genomic context (GRCh38, chr3:9,434,369, plus strand): 5'-ACCTCCTGCTTCTCCCCCTGTCCAGACGATCATCCCTCGTTCTGACCTGAATGGCCTGCC[G>A]TCGCCTGTAGAGGAACGCTGTGGAGACAGCCCGAACTCTGAAGGAGAAACTGTACCTACC-3'
Protein context (NP_001073986.1, residues 61-81): IIPRSDLNGL[Pro71=]SPVEERCGDS

ClinVar aggregate classification (germline): Benign/Likely benign. Review status: criteria provided, multiple submitters, no conflicts (2 of 4 stars). 3 submissions from 3 submitters: Benign (1); Likely benign (1). 1 of the submissions does not count toward it. Last evaluated 2025-10-01.

Conditions:
SETD5-related disorder. Also called: SETD5-related disorders; SETD5-related condition.

Allele frequency attached by ClinVar (database versions not stated): TOPMed 0.00013; gnomAD 0.00015 and 0.00017; gnomAD exomes 0.00015; ExAC 0.00016; ESP Exome Variant Server 0.00016.
gnomAD v4.1: 263 of 1,613,742 alleles (0.016%); highest among the groups gnomAD compares: Middle Eastern, 0.082%; no homozygotes.

Submissions (3):

CeGaT Center for Human Genetics Tuebingen
Classification: Likely benign. Last evaluated: 2025-10-01. Review status: criteria provided, single submitter. Criteria: CeGaT Center For Human Genetics Tuebingen Variant Classification Criteria Version 2. Collection method: clinical testing. Allele origin: germline. Affected: yes. Observed: 4 variant alleles.
Comment: SETD5: BP4, BS2

Labcorp Genetics (formerly Invitae), Labcorp
Classification: Benign. Last evaluated: 2025-06-29. Review status: criteria provided, single submitter. Criteria: Invitae Variant Classification Sherloc (09022015). Collection method: clinical testing. Allele origin: germline.

PreventionGenetics, part of Exact Sciences
Classification: Likely benign for SETD5-related condition. Last evaluated: 2019-08-19. Review status: no assertion criteria provided. Collection method: clinical testing. Allele origin: germline. Not counted in ClinVar's aggregate classification.
Comment: This variant is classified as likely benign based on ACMG/AMP sequence variant interpretation guidelines (Richards et al. 2015 PMID: 25741868, with internal and published modifications).